The following is an entry in ClinVar:

ClinVar aggregate classification (germline): Uncertain significance (1 of 4 stars; one submission).

Submission:

Ambry Genetics
Classification: Uncertain significance. Last evaluated: 2024-12-12. Review status: criteria provided, single submitter. Criteria: Ambry Variant Classification Scheme 2023. Collection method: clinical testing. Allele origin: germline.
Comment: The p.T151I variant (also known as c.452C>T), located in coding exon 2 of the GALNT12 gene, results from a C to T substitution at nucleotide position 452. The threonine at codon 151 is replaced by isoleucine, an amino acid with similar properties. This amino acid position is conserved. In addition, this alteration is predicted to be deleterious by in silico analysis. Based on the available evidence, the clinical significance of this variant remains unclear.

NM_024642.5(GALNT12):c.452C>T (p.Thr151Ile)

Gene: GALNT12 (polypeptide N-acetylgalactosaminyltransferase 12; plus strand). Cytogenetic location: 9q22.33.
Variant type: single nucleotide variant.
Coding change: c.452C>T on transcript NM_024642.5 (MANE Select); coding-DNA position 452, C replaced by T.
Protein change: p.Thr151Ile; replaces threonine 151 with isoleucine.
Molecular consequence: missense variant.
Genome position (GRCh38, 1-based): chr9:98,823,336, C>T. VCF-style: chr9-98823336-C-T. GRCh37 (hg19) VCF-style: chr9-101585618-C-T.
Other names: short protein forms T151I.
Identifiers: ClinVar variation 3852655 (VCV003852655.1).